The following is an entry in ClinVar:

NM_001171.6(ABCC6):c.24C>A (p.Cys8Ter)

Gene: ABCC6 (ATP binding cassette subfamily C member 6; minus strand). Cytogenetic location: 16p13.11.
Variant type: single nucleotide variant.
Coding change: c.24C>A on transcript NM_001171.6 (MANE Select); coding-DNA position 24, C replaced by A.
Protein change: p.Cys8Ter; replaces cysteine 8 with a stop codon.
Molecular consequence: nonsense. On other transcripts: 5 prime UTR variant (1), non-coding transcript variant (1).
Genome position (GRCh38, 1-based): chr16:16,223,411, G>T on the plus strand (C>A on the coding strand, the complement: ABCC6 is on the minus strand). VCF-style: chr16-16223411-G-T. GRCh37 (hg19) VCF-style: chr16-16317268-G-T.
Other names: c.24C>A, p.Cys8Ter (NM_001079528.4); c.-350C>A (NM_001351800.1); short protein forms C8*.
Identifiers: ClinVar variation 1679169 (VCV001679169.1), dbSNP rs1412967184, ClinGen allele CA395202921.
Genomic context (GRCh38, chr16:16,223,411, plus strand): 5'-CAAACCAAGCCTGGAAAAGGAGAGTGGGGCGCGATGGGGGGCACTCACCCCCTGCCCCGC[G>T]CAGGGCTCAGCAGGCGCGGCCATCGGCGCCTTCTGTCGTCGTGGGTCCCAGCGTCTGTCT-3'

ClinVar aggregate classification (germline): Uncertain significance (1 of 4 stars; one submission).

Conditions:
Autosomal recessive inherited pseudoxanthoma elasticum (PXE). Identifiers: Orphanet 758, MedGen CN032334, MONDO:0009925, OMIM 264800.

Allele frequency attached by ClinVar (database versions not stated): gnomAD 0.00001.

Submission:

Institute of Human Genetics, University of Leipzig Medical Center
Classification: Uncertain significance for Autosomal recessive inherited pseudoxanthoma elasticum. Last evaluated: 2022-04-11. Review status: criteria provided, single submitter. Criteria: ACMG Guidelines, 2015. Collection method: clinical testing. Allele origin: unknown. Affected: yes.
Comment: _x000D_Identification of heterozygous deletoin chr16:15475455-1630835 Criteria applied: PVS1_STR, PM2_SUP